The following is an entry in ClinVar:

NM_003119.4(SPG7):c.698T>C (p.Leu233Pro)

Gene: SPG7 (SPG7 matrix AAA peptidase subunit, paraplegin; plus strand). Cytogenetic location: 16q24.3.
Variant type: single nucleotide variant.
Coding change: c.698T>C on transcript NM_003119.4 (MANE Select); coding-DNA position 698, T replaced by C.
Protein change: p.Leu233Pro; replaces leucine 233 with proline.
Molecular consequence: missense variant.
Genome position (GRCh38, 1-based): chr16:89,526,408, T>C. VCF-style: chr16-89526408-T-C. GRCh37 (hg19) VCF-style: chr16-89592816-T-C.
Other names: c.698T>C, p.Leu233Pro (NM_001363850.1, NM_199367.3); short protein forms L233P.
Identifiers: ClinVar variation 2577382 (VCV002577382.1), dbSNP rs2543732711, ClinGen allele CA397418303.
Genomic context (GRCh38, chr16:89,526,408, plus strand): 5'-GAATGCAGGTTGCAAATATTGACAAGTTTGAAGAGAAGCTTCGAGCAGCTGAAGATGAGC[T>C]GAATATCGAGGCCAAGGACAGGATCCCAGTTTCCTACAAGCGAACAGGATTCTTTGGAAA-3'
Protein context (NP_003110.1, residues 223-243): EEKLRAAEDE[Leu233Pro]NIEAKDRIPV

ClinVar aggregate classification (germline): Uncertain significance (1 of 4 stars; one submission).

Allele frequency attached by ClinVar (database versions not stated): gnomAD exomes below 0.00001.
gnomAD v4.1: 2 of 1,614,186 alleles (0.00012%); highest among the groups gnomAD compares: East Asian, 0.0022%; no homozygotes.

Submission:

Women's Health and Genetics/Laboratory Corporation of America, LabCorp
Classification: Uncertain significance. Last evaluated: 2023-07-26. Review status: criteria provided, single submitter. Criteria: LabCorp Variant Classification Summary - May 2015. Collection method: clinical testing. Allele origin: germline.
Comment: Variant summary: SPG7 c.698T>C (p.Leu233Pro) results in a non-conservative amino acid change to a highly conserved residue (HGMD) located in the Peptidase M41, FtsH extracellular (IPR011546) of the encoded protein sequence. Five of five in-silico tools predict a damaging effect of the variant on protein function. The variant was absent in 251496 control chromosomes (gnomAD). The available data on variant occurrences in the general population are insufficient to allow any conclusion about variant significance. c.698T>C has been reported in the literature in an individual affected with Hereditary Spastic Paraplegia who had another likely pathogenic variant in an unknown phase (Arnoldi_2008). This report does not provide unequivocal conclusions about association of the variant with Hereditary Spastic Paraplegia 7. To our knowledge, no experimental evidence demonstrating an impact on protein function has been reported. The following publication has been ascertained in the context of this evaluation (PMID: 18200586). No submitters have cited clinical-significance assessments for this variant to ClinVar after 2014. Based on the evidence outlined above, the variant was classified as uncertain significance.

Literature cited by the submitters: PubMed 18200586.